The following is an entry in ClinVar:

ClinVar aggregate classification (germline): Uncertain significance. Review status: criteria provided, multiple submitters, no conflicts (2 of 4 stars). 2 submissions from 2 submitters: Uncertain significance (2). Last evaluated 2024-11-03.

Conditions:
Cardiovascular phenotype. Identifiers: MedGen CN230736.
Hypertrophic cardiomyopathy 14. Identifiers: MedGen C2750467, MONDO:0013197, OMIM 613251.

Allele frequency attached by ClinVar (database versions not stated): gnomAD exomes below 0.00001; gnomAD 0.00001; TOPMed 0.00001; ExAC 0.00002.
gnomAD v4.1: 18 of 1,614,064 alleles (0.0011%); highest among the groups gnomAD compares: Non-Finnish European, 0.0014%; no homozygotes.

Submissions (2):

Labcorp Genetics (formerly Invitae), Labcorp
Classification: Uncertain significance for Hypertrophic cardiomyopathy 14. Last evaluated: 2024-11-03. Review status: criteria provided, single submitter. Criteria: Invitae Variant Classification Sherloc (09022015). Collection method: clinical testing. Allele origin: germline.
Comment: This sequence change affects codon 976 of the MYH6 mRNA. It is a 'silent' change, meaning that it does not change the encoded amino acid sequence of the MYH6 protein. This variant also falls at the last nucleotide of exon 22, which is part of the consensus splice site for this exon. This variant is present in population databases (rs757078942, gnomAD 0.002%). This variant has not been reported in the literature in individuals affected with MYH6-related conditions. ClinVar contains an entry for this variant (Variation ID: 264562). Variants that disrupt the consensus splice site are a relatively common cause of aberrant splicing (PMID: 17576681, 9536098). Algorithms developed to predict the effect of sequence changes on RNA splicing suggest that this variant is not likely to affect RNA splicing. In summary, the available evidence is currently insufficient to determine the role of this variant in disease. Therefore, it has been classified as a Variant of Uncertain Significance.

Ambry Genetics
Classification: Uncertain significance for Cardiovascular phenotype. Last evaluated: 2015-12-16. Review status: criteria provided, single submitter. Criteria: Ambry Variant Classification Scheme 2023. Collection method: clinical testing. Allele origin: germline.
Comment: The c.2928G>A variant (also known as p.K976K), located in coding exon 20 of the MYH6 gene, results from a G to A substitution at nucleotide position 2928. This nucleotide substitution does not change the amino acid at codon 976. However, this change occurs in the last base pair of coding exon 20, which makes it likely to have some effect on normal mRNA splicing. This variant was not reported in population based cohorts in the following databases: Database of Single Nucleotide Polymorphisms (dbSNP), NHLBI Exome Sequencing Project (ESP), and 1000 Genomes Project. In the ESP, this variant was not observed in 6503 samples (13006 alleles) with coverage at this position. This nucleotide position is highly conserved in available vertebrate species. This alteration is predicted by the ESEfinder splice site prediction tool to weaken the efficiency of the native splice donor site, but is not predicted to have a deleterious effect on this splice donor site by the BDGP splice site prediction tool; however, direct evidence is unavailable. Since supporting evidence is limited at this time, the clinical significance of c.2928G>A remains unclear.

Literature cited by the submitters: PubMed 17576681 (cited by Labcorp Genetics (formerly Invitae), Labcorp); PubMed 9536098 (cited by Labcorp Genetics (formerly Invitae), Labcorp).

NM_002471.4(MYH6):c.2928G>A (p.Lys976=)

Gene: MYH6 (myosin heavy chain 6; minus strand). Cytogenetic location: 14q11.2.
Variant type: single nucleotide variant.
Coding change: c.2928G>A on transcript NM_002471.4 (MANE Select); coding-DNA position 2928, G replaced by A.
Protein change: p.Lys976=; no amino-acid change (lysine 976 retained).
Molecular consequence: synonymous variant.
Genome position (GRCh38, 1-based): chr14:23,393,666, C>T on the plus strand (G>A on the coding strand, the complement: MYH6 is on the minus strand). VCF-style: chr14-23393666-C-T. GRCh37 (hg19) VCF-style: chr14-23862875-C-T.
Identifiers: ClinVar variation 264562 (VCV000264562.7), dbSNP rs757078942, ClinGen allele CA7115356.